The following is an entry in ClinVar:

NM_005097.4(LGI1):c.359+5G>A

Gene: LGI1 (leucine rich glioma inactivated 1; plus strand). Cytogenetic location: 10q23.33.
Variant type: single nucleotide variant.
Coding change: c.359+5G>A on transcript NM_005097.4 (MANE Select); 5 bases into the intron after coding-DNA position 359, G replaced by A.
Molecular consequence: intron variant.
Genome position (GRCh38, 1-based): chr10:93,777,455, G>A. VCF-style: chr10-93777455-G-A. GRCh37 (hg19) VCF-style: chr10-95537212-G-A.
Other names: c.359+5G>A (NM_001308275.2); c.288-12644G>A (NM_001308276.2).
Identifiers: ClinVar variation 3373416 (VCV003373416.1).

ClinVar aggregate classification (germline): Uncertain significance (1 of 4 stars; one submission).

Submission:

GeneDx
Classification: Uncertain significance. Last evaluated: 2024-05-03. Review status: criteria provided, single submitter. Criteria: GeneDx Variant Classification Process June 2021. Collection method: clinical testing. Allele origin: germline. Affected: yes.
Comment: Not observed at significant frequency in large population cohorts (gnomAD); Intronic +5 splice site variant in a gene for which loss of function is a known mechanism of disease, and both splice predictors and evolutionary conservation support a deleterious effect, although in the absence of functional evidence the actual effect of this sequence change is unknown.; Has not been previously published as pathogenic or benign to our knowledge